The following is an entry in ClinVar:

ClinVar aggregate classification (germline): Likely benign. Review status: criteria provided, single submitter (1 of 4 stars). 2 submissions from 2 submitters: Likely benign (1). 1 of the submissions does not count toward it. Last evaluated 2024-11-11.

Conditions:
DYNC1I2-related disorder. Also called: DYNC1I2-related condition.

Submissions (2):

Blueprint Genetics
Classification: Likely benign. Last evaluated: 2024-11-11. Review status: criteria provided, single submitter. Criteria: ACMG Guidelines, 2015. Collection method: clinical testing. Allele origin: germline.

PreventionGenetics, part of Exact Sciences
Classification: Benign for DYNC1I2-related condition. Last evaluated: 2019-11-19. Review status: no assertion criteria provided. Collection method: clinical testing. Allele origin: germline. Not counted in ClinVar's aggregate classification.
Comment: This variant is classified as benign based on ACMG/AMP sequence variant interpretation guidelines (Richards et al. 2015 PMID: 25741868, with internal and published modifications).

NM_001378.3(DYNC1I2):c.512-5_512-4del

Gene: DYNC1I2 (dynein cytoplasmic 1 intermediate chain 2; plus strand). Cytogenetic location: 2q31.1.
Variant type: Deletion.
Coding change: c.512-5_512-4del on transcript NM_001378.3 (MANE Select); 5 bases into the intron before coding-DNA position 512 through 4 bases into the intron before coding-DNA position 512, 2 bases deleted (TT; older notation c.512-5_512-4delTT).
Molecular consequence: intron variant.
Genome position (GRCh38, 1-based): chr2:171,725,613-171,725,614, TT deleted; deleting any 2 consecutive bases within chr2:171,725,599-171,725,614 gives the same sequence; the c. name uses the placement nearest the transcript's 3' end. VCF-style (leftmost placement, unchanged base first): chr2-171725598-GTT-G. GRCh37 (hg19) VCF-style: chr2-172582108-GTT-G.
Other names: c.488-5_488-4del (NM_001271786.2, NM_001271787.2); c.494-5_494-4del (NM_001320882.2, NM_001378455.1, NM_001320883.2 and 1 more transcripts); c.434-5_434-4del (NM_001271788.2, NM_001271790.2, NM_001271789.2 and 1 more transcripts); c.512-5_512-4del (NM_001271785.2).
Identifiers: ClinVar variation 3056393 (VCV003056393.3), dbSNP rs746910264, ClinGen allele CA1965612.